The following is an entry in ClinVar:

NM_001171.6(ABCC6):c.3779C>A (p.Pro1260His)

Gene: ABCC6 (ATP binding cassette subfamily C member 6; minus strand). Cytogenetic location: 16p13.11.
Variant type: single nucleotide variant.
Coding change: c.3779C>A on transcript NM_001171.6 (MANE Select); coding-DNA position 3779, C replaced by A.
Protein change: p.Pro1260His; replaces proline 1260 with histidine.
Molecular consequence: missense variant. On other transcripts: non-coding transcript variant (1).
Genome position (GRCh38, 1-based): chr16:16,157,766, G>T on the plus strand (C>A on the coding strand, the complement: ABCC6 is on the minus strand). VCF-style: chr16-16157766-G-T. GRCh37 (hg19) VCF-style: chr16-16251623-G-T.
Other names: c.3437C>A, p.Pro1146His (NM_001351800.1); short protein forms P1146H, P1260H.
Identifiers: ClinVar variation 1499962 (VCV001499962.5), dbSNP rs2046597413, ClinGen allele CA394877948.

ClinVar aggregate classification (germline): Uncertain significance (1 of 4 stars; one submission).

Allele frequency attached by ClinVar (database versions not stated): gnomAD exomes below 0.00001.
gnomAD v4.1: 2 of 1,613,626 alleles (0.00012%); highest among the groups gnomAD compares: Non-Finnish European, 0.00017%; no homozygotes.

Submission:

Labcorp Genetics (formerly Invitae), Labcorp
Classification: Uncertain significance. Last evaluated: 2021-09-24. Review status: criteria provided, single submitter. Criteria: Invitae Variant Classification Sherloc (09022015). Collection method: clinical testing. Allele origin: germline.
Comment: This sequence change replaces proline with histidine at codon 1260 of the ABCC6 protein (p.Pro1260His). The proline residue is highly conserved and there is a moderate physicochemical difference between proline and histidine. This variant is not present in population databases (ExAC no frequency). This variant has not been reported in the literature in individuals with ABCC6-related conditions. Advanced modeling of protein sequence and biophysical properties (such as structural, functional, and spatial information, amino acid conservation, physicochemical variation, residue mobility, and thermodynamic stability) performed at Invitae indicates that this missense variant is expected to disrupt ABCC6 protein function. In summary, the available evidence is currently insufficient to determine the role of this variant in disease. Therefore, it has been classified as a Variant of Uncertain Significance.